The following is an entry in ClinVar:

NM_016239.4(MYO15A):c.3743G>A (p.Arg1248Gln)

Gene: MYO15A (myosin XVA; plus strand). Cytogenetic location: 17p11.2.
Variant type: single nucleotide variant.
Coding change: c.3743G>A on transcript NM_016239.4 (MANE Select); coding-DNA position 3743, G replaced by A.
Protein change: p.Arg1248Gln; replaces arginine 1248 with glutamine.
Molecular consequence: missense variant.
Genome position (GRCh38, 1-based): chr17:18,125,218, G>A. VCF-style: chr17-18125218-G-A. GRCh37 (hg19) VCF-style: chr17-18028532-G-A.
Other names: c.3743G>A (NM_016239.3); short protein forms R1248Q.
Identifiers: ClinVar variation 439948 (VCV000439948.12), dbSNP rs751800816, ClinGen allele CA8423559.

ClinVar aggregate classification (germline): Uncertain significance. Review status: criteria provided, multiple submitters, no conflicts (2 of 4 stars). 3 submissions from 3 submitters: Uncertain significance (2). 1 of the submissions does not count toward it. Last evaluated 2025-06-26.

Conditions:
MYO15A-related disorder. Also called: MYO15A-related condition.

Allele frequency attached by ClinVar (database versions not stated): gnomAD exomes 0.00002 and 0.00003; ExAC 0.00004; gnomAD 0.00004 and 0.00006; TOPMed 0.00009.
gnomAD v4.1: 39 of 1,613,982 alleles (0.0024%); highest among the groups gnomAD compares: African/African-American, 0.025%; no homozygotes.

Submissions (3):

GeneDx
Classification: Uncertain significance. Last evaluated: 2025-06-26. Review status: criteria provided, single submitter. Criteria: GeneDx Variant Classification Process June 2021. Collection method: clinical testing. Allele origin: germline.
Comment: Reported in a patient with hearing loss in published literature (PMID: 34335733); In silico analysis suggests that this missense variant does not alter protein structure/function; This variant is associated with the following publications: (PMID: 34335733, 40052343)

ARUP Laboratories, Molecular Genetics and Genomics, ARUP Laboratories
Classification: Uncertain significance. Last evaluated: 2016-10-12. Review status: criteria provided, single submitter. Criteria: ARUP Molecular Germline Variant Investigation Process. Collection method: clinical testing. Allele origin: germline.

PreventionGenetics, part of Exact Sciences
Classification: Uncertain significance for MYO15A-related condition. Last evaluated: 2024-09-09. Review status: no assertion criteria provided. Collection method: clinical testing. Allele origin: germline. Not counted in ClinVar's aggregate classification.
Comment: The MYO15A c.3743G>A variant is predicted to result in the amino acid substitution p.Arg1248Gln. To our knowledge, this variant has not been reported in the literature. This variant is reported in 0.031% of alleles in individuals of East Asian descent in gnomAD. At this time, the clinical significance of this variant is uncertain due to the absence of conclusive functional and genetic evidence.